The following is an entry in ClinVar:

ClinVar aggregate classification (germline): Uncertain significance (1 of 4 stars; one submission).

Submission:

Labcorp Genetics (formerly Invitae), Labcorp
Classification: Uncertain significance. Last evaluated: 2021-12-11. Review status: criteria provided, single submitter. Criteria: Invitae Variant Classification Sherloc (09022015). Collection method: clinical testing. Allele origin: germline.
Comment: This variant, c.2365_2367del, results in the deletion of 1 amino acid(s) of the TCIRG1 protein (p.Leu789del), but otherwise preserves the integrity of the reading frame. This variant is present in population databases (rs760570564, gnomAD 0.01%). This variant has not been reported in the literature in individuals affected with TCIRG1-related conditions. Algorithms developed to predict the effect of sequence changes on RNA splicing suggest that this variant may create or strengthen a splice site. In summary, the available evidence is currently insufficient to determine the role of this variant in disease. Therefore, it has been classified as a Variant of Uncertain Significance.

NM_006019.4(TCIRG1):c.2362CTG[1] (p.Leu789del)

Gene: TCIRG1 (T cell immune regulator 1, ATPase H+ transporting V0 subunit a3; plus strand). Cytogenetic location: 11q13.2.
Variant type: Microsatellite.
Coding change: c.2362CTG[1] on transcript NM_006019.4 (MANE Select); one copy of the 3-base unit CTG starting at c.2362; the reference has two copies in a row; one copy, 3 bases deleted.
Protein change: p.Leu789del; deletes leucine 789.
Molecular consequence: inframe deletion.
Genome position (GRCh38, 1-based): chr11:68,050,615-68,050,617, CTG deleted; deleting any 3 consecutive bases within chr11:68,050,612-68,050,617 gives the same sequence; the position shown is the placement nearest the transcript's 3' end. VCF-style (leftmost placement, unchanged base first): chr11-68050611-CCTG-C. GRCh37 (hg19) VCF-style: chr11-67818078-CCTG-C.
Other names: c.1468CTG[1], p.Leu491del (NM_001351059.2); c.1714CTG[1], p.Leu573del (NM_006053.4); short protein forms L491del, L789del, L573del.
Identifiers: ClinVar variation 2139709 (VCV002139709.1), dbSNP rs760570564, ClinGen allele CA6147514.
Genomic context (GRCh38, chr11:68,050,611, plus strand): 5'-CGTGGCGGCTGTGGTGCTGGTCCCCATCTTTGCCGCCTTTGCCGTGATGACCGTGGCTAT[CCTG>C]CTGGTGATGGAGGGACTCTCAGCCTTCCTGCACGCCCTGCGGCTGCACTGGTGAGCGACC-3'